The following is an entry in ClinVar:

NM_004629.2(FANCG):c.1562G>A (p.Gly521Glu)

Gene: FANCG (FA complementation group G; minus strand). Cytogenetic location: 9p13.3.
Variant type: single nucleotide variant.
Coding change: c.1562G>A on transcript NM_004629.2 (MANE Select); coding-DNA position 1562, G replaced by A.
Protein change: p.Gly521Glu; replaces glycine 521 with glutamic acid.
Molecular consequence: missense variant.
Genome position (GRCh38, 1-based): chr9:35,075,001, C>T on the plus strand (G>A on the coding strand, the complement: FANCG is on the minus strand). VCF-style: chr9-35075001-C-T. GRCh37 (hg19) VCF-style: chr9-35074998-C-T.
Other names: short protein forms G521E.
Identifiers: ClinVar variation 929700 (VCV000929700.1), dbSNP rs1829055917, ClinGen allele CA373304196.

ClinVar aggregate classification (germline): Pathogenic (0 of 4 stars; one submission).

Conditions:
Fanconi anemia complementation group G. Also called: FANCG-Related Fanconi Anemia; Fanconi anemia group G. Identifiers: Orphanet 84, MedGen C3469527, MONDO:0013565, OMIM 614082.

Allele frequency attached by ClinVar (database versions not stated): gnomAD exomes below 0.00001.

Submission:

Leiden Open Variation Database
Classification: Pathogenic for Fanconi anemia complementation group G. Last evaluated: 2011-02-07. Review status: no assertion criteria provided. Collection method: curation. Allele origin: germline. Affected: yes.
Comment: Curator: Arleen D. Auerbach. Submitter to LOVD: Arleen D. Auerbach.

Literature cited by the submitters: PubMed 12552564.